The following is an entry in ClinVar:

NM_201550.4(LRRC10):c.242C>A (p.Ala81Asp)

Gene: LRRC10 (leucine rich repeat containing 10; minus strand). Cytogenetic location: 12q15.
Variant type: single nucleotide variant.
Coding change: c.242C>A on transcript NM_201550.4 (MANE Select); coding-DNA position 242, C replaced by A.
Protein change: p.Ala81Asp; replaces alanine 81 with aspartic acid.
Molecular consequence: missense variant.
Genome position (GRCh38, 1-based): chr12:69,610,597, G>T on the plus strand (C>A on the coding strand, the complement: LRRC10 is on the minus strand). VCF-style: chr12-69610597-G-T. GRCh37 (hg19) VCF-style: chr12-70004377-G-T.
Other names: c.242C>A (NM_201550.2); short protein forms A81D.
Identifiers: ClinVar variation 938028 (VCV000938028.11), dbSNP rs764162460, ClinGen allele CA6681102.

ClinVar aggregate classification (germline): Uncertain significance. Review status: criteria provided, multiple submitters, no conflicts (2 of 4 stars). 2 submissions from 2 submitters: Uncertain significance (2). Last evaluated 2026-02-01.

Allele frequency attached by ClinVar (database versions not stated): ExAC 0.00001; gnomAD 0.00001; gnomAD exomes 0.00001 and 0.00002; TOPMed 0.00001.

Submissions (2):

Labcorp Genetics (formerly Invitae), Labcorp
Classification: Uncertain significance. Last evaluated: 2026-02-01. Review status: criteria provided, single submitter. Criteria: Invitae Variant Classification Sherloc (09022015). Collection method: clinical testing. Allele origin: germline.
Comment: This sequence change replaces alanine, which is neutral and non-polar, with aspartic acid, which is acidic and polar, at codon 81 of the LRRC10 protein (p.Ala81Asp). This variant is present in population databases (rs764162460, gnomAD 0.03%). This variant has not been reported in the literature in individuals affected with LRRC10-related conditions. ClinVar contains an entry for this variant (Variation ID: 938028). An algorithm developed to predict the effect of missense changes on protein structure and function (PolyPhen-2) suggests that this variant is likely to be disruptive. In summary, the available evidence is currently insufficient to determine the role of this variant in disease. Therefore, it has been classified as a Variant of Uncertain Significance.

Ambry Genetics
Classification: Uncertain significance. Last evaluated: 2023-08-08. Review status: criteria provided, single submitter. Criteria: Ambry Variant Classification Scheme 2023. Collection method: clinical testing. Allele origin: germline.